The following is an entry in ClinVar:

NM_001122955.4(BSCL2):c.486+182C>T

Genes: BSCL2 (BSCL2 lipid droplet biogenesis associated, seipin; minus strand), HNRNPUL2-BSCL2 (HNRNPUL2-BSCL2 readthrough (NMD candidate); minus strand). Cytogenetic location: 11q12.3.
Variant type: single nucleotide variant.
Coding change: c.486+182C>T on transcript NM_001122955.4 (MANE Select); 182 bases into the intron after coding-DNA position 486, C replaced by T.
Molecular consequence: intron variant.
Genome position (GRCh38, 1-based): chr11:62,702,286, G>A on the plus strand (C>T on the coding strand, the complement: BSCL2 is on the minus strand). VCF-style: chr11-62702286-G-A. GRCh37 (hg19) VCF-style: chr11-62469758-G-A.
Other names: c.294+182C>T (NM_001130702.2, NM_032667.6); c.486+182C>T (NM_001386028.1, NM_001386027.1).
Identifiers: ClinVar variation 677314 (VCV000677314.2), dbSNP rs191422290, ClinGen allele CA223638791.

ClinVar aggregate classification (germline): Likely benign. Review status: criteria provided, multiple submitters, no conflicts (2 of 4 stars). 2 submissions from 2 submitters: Likely benign (2). Last evaluated 2018-06-14.

Allele frequency attached by ClinVar (database versions not stated): 1000 Genomes Project 0.00379; 1000 Genomes Project 30x 0.00390; TOPMed 0.00705; gnomAD 0.00817 and 0.00822.
gnomAD v4.1: 1,246 of 152,120 alleles (0.82%); highest among the groups gnomAD compares: Middle Eastern, 1.4%; 5 homozygotes.

Submissions (2):

GeneDx
Classification: Likely benign. Last evaluated: 2018-06-14. Review status: criteria provided, single submitter. Criteria: GeneDx Variant Classification (06012015). Collection method: clinical testing. Allele origin: germline. Affected: yes.
Comment: This variant is considered likely benign or benign based on one or more of the following criteria: it is a conservative change, it occurs at a poorly conserved position in the protein, it is predicted to be benign by multiple in silico algorithms, and/or has population frequency not consistent with disease.

Breakthrough Genomics
Classification: Likely benign. Review status: criteria provided, single submitter. Criteria: ACMG Guidelines, 2015. Collection method: not provided. Allele origin: germline. Inheritance: Autosomal recessive inheritance. Affected: yes.